The following is an entry in ClinVar:

NM_004360.5(CDH1):c.988dup (p.Thr330fs)

Gene: CDH1 (cadherin 1; plus strand). Cytogenetic location: 16q22.1.
Variant type: Duplication.
Coding change: c.988dup on transcript NM_004360.5 (MANE Select); coding-DNA position 988, one base duplicated (A; older notation c.988dupA).
Protein change: p.Thr330fs; shifts the reading frame from threonine 330.
Molecular consequence: frameshift variant. On other transcripts: 5 prime UTR variant (2).
Genome position (GRCh38, 1-based): chr16:68,811,839, A duplicated. VCF-style (leftmost placement, unchanged base first): chr16-68811838-C-CA. GRCh37 (hg19) VCF-style: chr16-68845741-C-CA.
Other names: c.988dup, p.Thr330fs (NM_001317184.2); c.-628dup (NM_001317185.2); c.-832dup (NM_001317186.2); short protein forms T330fs.
Identifiers: ClinVar variation 1352385 (VCV001352385.6), dbSNP rs2152132139, ClinGen allele CA2573152600.

ClinVar aggregate classification (germline): Pathogenic (1 of 4 stars; one submission).

Conditions:
Hereditary diffuse gastric adenocarcinoma (HDGC). Also called: DIFFUSE GASTRIC AND LOBULAR BREAST CANCER SYNDROME. Identifiers: Orphanet 26106, MedGen C1708349, MONDO:0007648, OMIM 137215.

Submission:

Labcorp Genetics (formerly Invitae), Labcorp
Classification: Pathogenic for Hereditary diffuse gastric adenocarcinoma. Last evaluated: 2021-03-10. Review status: criteria provided, single submitter. Criteria: Invitae Variant Classification Sherloc (09022015). Collection method: clinical testing. Allele origin: germline.
Comment: This sequence change creates a premature translational stop signal (p.Thr330Asnfs*20) in the CDH1 gene. It is expected to result in an absent or disrupted protein product. Loss-of-function variants in CDH1 are known to be pathogenic (PMID: 15235021, 20373070). This variant is not present in population databases (ExAC no frequency). This variant has not been reported in the literature in individuals with CDH1-related conditions. For these reasons, this variant has been classified as Pathogenic.

Literature cited by the submitters: PubMed 15235021; PubMed 20373070.